The following is an entry in ClinVar:

ClinVar aggregate classification (germline): Likely benign (1 of 4 stars; one submission).

Submission:

CeGaT Center for Human Genetics Tuebingen
Classification: Likely benign. Last evaluated: 2026-04-01. Review status: criteria provided, single submitter. Criteria: CeGaT Center For Human Genetics Tuebingen Variant Classification Criteria Version 2. Collection method: clinical testing. Allele origin: germline. Affected: yes. Observed: 1 variant allele.
Comment: TASOR: PM2:Supporting, BP4, BP7

NM_001365635.2(TASOR):c.4671C>T (p.Asn1557=)

Gene: TASOR (transcription activation suppressor; minus strand). Cytogenetic location: 3p14.3.
Variant type: single nucleotide variant.
Coding change: c.4671C>T on transcript NM_001365635.2 (MANE Select); coding-DNA position 4671, C replaced by T.
Protein change: p.Asn1557=; no amino-acid change (asparagine 1557 retained).
Molecular consequence: synonymous variant. On other transcripts: 3 prime UTR variant (3).
Genome position (GRCh38, 1-based): chr3:56,623,379, G>A on the plus strand (C>T on the coding strand, the complement: TASOR is on the minus strand). VCF-style: chr3-56623379-G-A. GRCh37 (hg19) VCF-style: chr3-56657407-G-A.
Other names: c.*409C>T (NM_001112736.2, NM_001365637.2, NM_001365638.2); c.4488C>T, p.Asn1496= (NM_001363940.1); c.4548C>T, p.Asn1516= (NM_001365636.2); c.3360C>T, p.Asn1120= (NM_015224.3).
Identifiers: ClinVar variation 4874606 (VCV004874606.2).
Genomic context (GRCh38, chr3:56,623,379, plus strand): 5'-TACTATATCAATAGAAGTTCTCTCTTCAGAATCAAGGTAAGTCTTATCTTCTAATAAACT[G>A]TTTTGCACATCAGGAGACGATTGCAACTCAATTTGAGTATTCTTTTTTTGATCTGTTCCA-3'
Protein context (NP_001352564.1, residues 1547-1567): IELQSSPDVQ[Asn1557=]SLLEDKTYLD